The following is an entry in ClinVar:

ClinVar aggregate classification (germline): Uncertain significance (1 of 4 stars; one submission).

Allele frequency attached by ClinVar (database versions not stated): ESP Exome Variant Server 0.00008.
gnomAD v4.1: 3 of 1,608,594 alleles (0.00019%); highest among the groups gnomAD compares: South Asian, 0.0022%; no homozygotes.

Submission:

Labcorp Genetics (formerly Invitae), Labcorp
Classification: Uncertain significance. Last evaluated: 2026-01-19. Review status: criteria provided, single submitter. Criteria: Invitae Variant Classification Sherloc (09022015). Collection method: clinical testing. Allele origin: germline.
Comment: This sequence change replaces aspartic acid, which is acidic and polar, with histidine, which is basic and polar, at codon 562 of the RGS9 protein (p.Asp562His). This variant is present in population databases (rs369227084, gnomAD 0.0009%). This variant has not been reported in the literature in individuals affected with RGS9-related conditions. ClinVar contains an entry for this variant (Variation ID: 2114892). An algorithm developed to predict the effect of missense changes on protein structure and function (PolyPhen-2) suggests that this variant is likely to be tolerated. In summary, the available evidence is currently insufficient to determine the role of this variant in disease. Therefore, it has been classified as a Variant of Uncertain Significance.

NM_003835.4(RGS9):c.1684G>C (p.Asp562His)

Gene: RGS9 (regulator of G protein signaling 9; plus strand). Cytogenetic location: 17q24.1.
Variant type: single nucleotide variant.
Coding change: c.1684G>C on transcript NM_003835.4 (MANE Select); coding-DNA position 1684, G replaced by C.
Protein change: p.Asp562His; replaces aspartic acid 562 with histidine.
Molecular consequence: missense variant.
Genome position (GRCh38, 1-based): chr17:65,225,278, G>C. VCF-style: chr17-65225278-G-C. GRCh37 (hg19) VCF-style: chr17-63221396-G-C.
Other names: c.1675G>C, p.Asp559His (NM_001081955.3); short protein forms D559H, D562H.
Identifiers: ClinVar variation 2114892 (VCV002114892.2), dbSNP rs369227084, ClinGen allele CA8718121.
Genomic context (GRCh38, chr17:65,225,278, plus strand): 5'-TGCAGCGGGTCCATGGCCCCCCGTGGGCCCTCTGTCACCGAGAGCAGCGAGGCCTCCCTC[G>C]ACACCTCCTGGCCTCGCAGCCGGCCCAGGGCCCCTCCTAAGGCCCGCATGGCTCTGTCCT-3'
Protein context (NP_003826.2, residues 552-572): SVTESSEASL[Asp562His]TSWPRSRPRA